The following is an entry in ClinVar:

NM_000051.4(ATM):c.7845_7846del (p.Gln2615fs)

Genes: ATM (ATM serine/threonine kinase; plus strand), C11orf65 (chromosome 11 open reading frame 65; minus strand). Cytogenetic location: 11q22.3.
Variant type: Deletion.
Coding change: c.7845_7846del on transcript NM_000051.4 (MANE Select); coding-DNA positions 7845 to 7846, 2 bases deleted (GA; older notation c.7845_7846delGA).
Protein change: p.Gln2615fs; shifts the reading frame from glutamine 2615.
Molecular consequence: frameshift variant. On other transcripts: intron variant (2).
Genome position (GRCh38, 1-based): chr11:108,332,818-108,332,819, GA deleted; deleting any 2 consecutive bases within chr11:108,332,817-108,332,819 gives the same sequence; the c. name uses the placement nearest the transcript's 3' end. VCF-style (leftmost placement, unchanged base first): chr11-108332816-CAG-C. GRCh37 (hg19) VCF-style: chr11-108203543-CAG-C.
Other names: c.7845_7846del, p.Gln2615fs (NM_001351834.2); c.641-23747_641-23746del (NM_001330368.2); c.*38+2402_*38+2403del (NM_001351110.2); short protein forms Q2615fs.
Identifiers: ClinVar variation 3148463 (VCV003148463.1), dbSNP rs2547299084, ClinGen allele CA2825001974.

ClinVar aggregate classification (germline): Pathogenic (1 of 4 stars; one submission).

Conditions:
Familial cancer of breast. Also called: hereditary breast carcinoma; BREAST CANCER, FAMILIAL; Hereditary breast cancer. Identifiers: Orphanet 227535, MedGen C0346153, MONDO:0016419, OMIM 114480. Disease mechanism: loss of function.

Submission:

Myriad Genetics, Inc.
Classification: Pathogenic for Familial cancer of breast. Last evaluated: 2024-02-01. Review status: criteria provided, single submitter. Criteria: Myriad Autosomal Dominant, Autosomal Recessive and X-Linked Classification Criteria (2023). Collection method: clinical testing. Allele origin: unknown.
Comment: This variant is considered pathogenic. This variant creates a frameshift predicted to result in premature protein truncation.